The following is an entry in ClinVar:

NM_006922.4(SCN3A):c.1229T>G (p.Leu410Trp)

Gene: SCN3A (sodium voltage-gated channel alpha subunit 3; minus strand). Cytogenetic location: 2q24.3.
Variant type: single nucleotide variant.
Coding change: c.1229T>G on transcript NM_006922.4 (MANE Select); coding-DNA position 1229, T replaced by G.
Protein change: p.Leu410Trp; replaces leucine 410 with tryptophan.
Molecular consequence: missense variant.
Genome position (GRCh38, 1-based): chr2:165,154,603, A>C on the plus strand (T>G on the coding strand, the complement: SCN3A is on the minus strand). VCF-style: chr2-165154603-A-C. GRCh37 (hg19) VCF-style: chr2-166011113-A-C.
Other names: c.1229T>G, p.Leu410Trp (NM_001081676.2, NM_001081677.2); short protein forms L410W.
Identifiers: ClinVar variation 3649452 (VCV003649452.2).

ClinVar aggregate classification (germline): Uncertain significance (1 of 4 stars; one submission).

Submission:

Labcorp Genetics (formerly Invitae), Labcorp
Classification: Uncertain significance. Last evaluated: 2024-04-10. Review status: criteria provided, single submitter. Criteria: Invitae Variant Classification Sherloc (09022015). Collection method: clinical testing. Allele origin: germline.
Comment: This sequence change replaces leucine, which is neutral and non-polar, with tryptophan, which is neutral and slightly polar, at codon 410 of the SCN3A protein (p.Leu410Trp). This variant is not present in population databases (gnomAD no frequency). This variant has not been reported in the literature in individuals affected with SCN3A-related conditions. Advanced modeling of protein sequence and biophysical properties (such as structural, functional, and spatial information, amino acid conservation, physicochemical variation, residue mobility, and thermodynamic stability) has been performed at Invitae for this missense variant, however the output from this modeling did not meet the statistical confidence thresholds required to predict the impact of this variant on SCN3A protein function. In summary, the available evidence is currently insufficient to determine the role of this variant in disease. Therefore, it has been classified as a Variant of Uncertain Significance.